The following is an entry in ClinVar:

NM_000440.3(PDE6A):c.364G>A (p.Glu122Lys)

Gene: PDE6A (phosphodiesterase 6A; minus strand). Cytogenetic location: 5q32.
Variant type: single nucleotide variant.
Coding change: c.364G>A on transcript NM_000440.3 (MANE Select); coding-DNA position 364, G replaced by A.
Protein change: p.Glu122Lys; replaces glutamic acid 122 with lysine.
Molecular consequence: missense variant.
Genome position (GRCh38, 1-based): chr5:149,944,310, C>T on the plus strand (G>A on the coding strand, the complement: PDE6A is on the minus strand). VCF-style: chr5-149944310-C-T. GRCh37 (hg19) VCF-style: chr5-149323873-C-T.
Other names: short protein forms E122K.
Identifiers: ClinVar variation 1369291 (VCV001369291.10), dbSNP rs899608908, ClinGen allele CA129059186.
Genomic context (GRCh38, chr5:149,944,310, plus strand): 5'-CCACGATGCCCATGTCCAAAGGGAAGACGATCTCTTGGTCGGGCATCACCAGGCAGTCCT[C>T]GAGGACAGCATCCTTGTGGACATTGAAAAGCCTGGTGGCCAGCTCTGCGATGCCATTGCG-3'
Protein context (NP_000431.2, residues 112-132): LFNVHKDAVL[Glu122Lys]DCLVMPDQEI

ClinVar aggregate classification (germline): Uncertain significance. Review status: criteria provided, multiple submitters, no conflicts (2 of 4 stars). 2 submissions from 2 submitters: Uncertain significance (2). Last evaluated 2024-11-14.

Allele frequency attached by ClinVar (database versions not stated): gnomAD 0.00001; gnomAD exomes 0.00001.
gnomAD v4.1: 14 of 1,613,836 alleles (0.00087%); highest among the groups gnomAD compares: Admixed American, 0.0017%; no homozygotes.

Submissions (2):

Blueprint Genetics
Classification: Uncertain significance. Last evaluated: 2024-11-14. Review status: criteria provided, single submitter. Criteria: ACMG Guidelines, 2015. Collection method: clinical testing. Allele origin: germline.

Labcorp Genetics (formerly Invitae), Labcorp
Classification: Uncertain significance. Last evaluated: 2024-11-13. Review status: criteria provided, single submitter. Criteria: Invitae Variant Classification Sherloc (09022015). Collection method: clinical testing. Allele origin: germline.
Comment: This sequence change replaces glutamic acid, which is acidic and polar, with lysine, which is basic and polar, at codon 122 of the PDE6A protein (p.Glu122Lys). This variant is present in population databases (no rsID available, gnomAD 0.002%). This variant has not been reported in the literature in individuals affected with PDE6A-related conditions. ClinVar contains an entry for this variant (Variation ID: 1369291). Invitae Evidence Modeling of protein sequence and biophysical properties (such as structural, functional, and spatial information, amino acid conservation, physicochemical variation, residue mobility, and thermodynamic stability) indicates that this missense variant is not expected to disrupt PDE6A protein function with a negative predictive value of 95%. In summary, the available evidence is currently insufficient to determine the role of this variant in disease. Therefore, it has been classified as a Variant of Uncertain Significance.